The following is an entry in ClinVar:

NM_000088.4(COL1A1):c.658del (p.Arg220fs)

Gene: COL1A1 (collagen type I alpha 1 chain; minus strand). Cytogenetic location: 17q21.33.
Variant type: Deletion.
Coding change: c.658del on transcript NM_000088.4 (MANE Select); coding-DNA position 658, one base deleted (C; older notation c.658delC).
Protein change: p.Arg220fs; shifts the reading frame from arginine 220.
Molecular consequence: frameshift variant.
Genome position (GRCh38, 1-based): chr17:50,197,770, G deleted on the plus strand (C on the coding strand, the reverse complement: COL1A1 is on the minus strand); the first of 4 consecutive G bases (chr17:50,197,770-50,197,773); deleting any one gives the same sequence. VCF-style (leftmost placement, unchanged base first): chr17-50197769-CG-C. GRCh37 (hg19) VCF-style: chr17-48275130-CG-C.
Other names: c.658delC (NM_000088.4); short protein forms R220fs.
Identifiers: ClinVar variation 3251533 (VCV003251533.1), dbSNP rs2509245369.
Genomic context (GRCh38, chr17:50,197,769, plus strand): 5'-ATCTTCTTGCTGGGGATACTTACATCATCTCCATTCTTTCCAGGGGGACCTGGGGGACCT[CG>C]GGGACCCATGGGACCCTAGAAAAGATAGAAGAGGTGGTTAGAATATGGATAAGAAAAAAA-3'

ClinVar aggregate classification (germline): Pathogenic (1 of 4 stars; one submission).

Conditions:
Osteogenesis imperfecta (OI). Identifiers: Orphanet 666, MedGen C0029434, MeSH D010013, MONDO:0019019.

Submission:

Women's Health and Genetics/Laboratory Corporation of America, LabCorp
Classification: Pathogenic for Osteogenesis imperfecta. Last evaluated: 2024-04-04. Review status: criteria provided, single submitter. Criteria: LabCorp Variant Classification Summary - May 2015. Collection method: clinical testing. Allele origin: germline.
Comment: Variant summary: COL1A1 c.658delC (p.Arg220GlufsX45) results in a premature termination codon, predicted to cause a truncation of the encoded protein or absence of the protein due to nonsense mediated decay, which are commonly known mechanisms for disease. The variant was absent in 242252 control chromosomes. c.658delC has been reported in the literature in individuals affected with Osteogenesis Imperfecta (Maioli_2019). To our knowledge, no experimental evidence demonstrating an impact on protein function has been reported. No submitters have cited clinical-significance assessments for this variant to ClinVar. Based on the evidence outlined above, the variant was classified as pathogenic.

Literature cited by the submitters: PubMed 30886339.